The following is an entry in ClinVar:

ClinVar aggregate classification (germline): Uncertain significance. Review status: criteria provided, multiple submitters, no conflicts (2 of 4 stars). 2 submissions from 2 submitters: Uncertain significance (2). Last evaluated 2024-12-31.

Conditions:
Hereditary cancer-predisposing syndrome. Also called: Hereditary neoplastic syndrome; Neoplastic Syndromes, Hereditary; Tumor predisposition; Hereditary Cancer Syndrome. Identifiers: Orphanet 140162, MedGen C0027672, MeSH D009386, MONDO:0015356.
Bloom syndrome (BLM). Also called: Bloom-Torre-Machacek syndrome. Identifiers: Orphanet 125, MedGen C0005859, MONDO:0008876, OMIM 210900.

Allele frequency attached by ClinVar (database versions not stated): gnomAD exomes 0.00001.
gnomAD v4.1: 11 of 1,614,158 alleles (0.00068%); highest among the groups gnomAD compares: Non-Finnish European, 0.00093%; no homozygotes.

Submissions (2):

Labcorp Genetics (formerly Invitae), Labcorp
Classification: Uncertain significance for Bloom syndrome. Last evaluated: 2024-12-31. Review status: criteria provided, single submitter. Criteria: Invitae Variant Classification Sherloc (09022015). Collection method: clinical testing. Allele origin: germline.
Comment: This sequence change replaces methionine, which is neutral and non-polar, with isoleucine, which is neutral and non-polar, at codon 951 of the BLM protein (p.Met951Ile). This variant is not present in population databases (gnomAD no frequency). This variant has not been reported in the literature in individuals affected with BLM-related conditions. ClinVar contains an entry for this variant (Variation ID: 1006384). Invitae Evidence Modeling of protein sequence and biophysical properties (such as structural, functional, and spatial information, amino acid conservation, physicochemical variation, residue mobility, and thermodynamic stability) indicates that this missense variant is expected to disrupt BLM protein function with a positive predictive value of 80%. In summary, the available evidence is currently insufficient to determine the role of this variant in disease. Therefore, it has been classified as a Variant of Uncertain Significance.

Ambry Genetics
Classification: Uncertain significance for Hereditary cancer-predisposing syndrome. Last evaluated: 2023-05-17. Review status: criteria provided, single submitter. Criteria: Ambry Variant Classification Scheme 2023. Collection method: clinical testing. Allele origin: germline.

NM_000057.4(BLM):c.2853G>T (p.Met951Ile)

Gene: BLM (BLM RecQ like helicase; plus strand). Cytogenetic location: 15q26.1.
Variant type: single nucleotide variant.
Coding change: c.2853G>T on transcript NM_000057.4 (MANE Select); coding-DNA position 2853, G replaced by T.
Protein change: p.Met951Ile; replaces methionine 951 with isoleucine.
Molecular consequence: missense variant.
Genome position (GRCh38, 1-based): chr15:90,790,678, G>T. VCF-style: chr15-90790678-G-T. GRCh37 (hg19) VCF-style: chr15-91333908-G-T.
Other names: c.2853G>T, p.Met951Ile (NM_001287246.2, NM_001287247.2); c.1728G>T, p.Met576Ile (NM_001287248.2); short protein forms M576I, M951I.
Identifiers: ClinVar variation 1006384 (VCV001006384.11), dbSNP rs1896881384, ClinGen allele CA393846277.